The following is an entry in ClinVar:

NM_000426.4(LAMA2):c.7306A>G (p.Ile2436Val)

Gene: LAMA2 (laminin subunit alpha 2; plus strand). Cytogenetic location: 6q22.33.
Variant type: single nucleotide variant.
Coding change: c.7306A>G on transcript NM_000426.4 (MANE Select); coding-DNA position 7306, A replaced by G.
Protein change: p.Ile2436Val; replaces isoleucine 2436 with valine.
Molecular consequence: missense variant.
Genome position (GRCh38, 1-based): chr6:129,473,219, A>G. VCF-style: chr6-129473219-A-G. GRCh37 (hg19) VCF-style: chr6-129794364-A-G.
Other names: c.7306A>G, p.Ile2436Val (NM_001079823.2); short protein forms I2436V.
Identifiers: ClinVar variation 2169985 (VCV002169985.1), dbSNP rs1297267527, ClinGen allele CA365624107.

ClinVar aggregate classification (germline): Uncertain significance (1 of 4 stars; one submission).

Conditions:
LAMA2-related muscular dystrophy (LAMA2-RD). Also called: Laminin alpha 2-related dystrophy. Identifiers: MedGen C5679788, MONDO:0100228.

Allele frequency attached by ClinVar (database versions not stated): gnomAD exomes below 0.00001; gnomAD 0.00001; TOPMed 0.00001.
gnomAD v4.1: 2 of 1,591,394 alleles (0.00013%); highest among the groups gnomAD compares: Non-Finnish European, 0.00017%; no homozygotes.

Submission:

Labcorp Genetics (formerly Invitae), Labcorp
Classification: Uncertain significance for LAMA2-related muscular dystrophy. Last evaluated: 2022-04-22. Review status: criteria provided, single submitter. Criteria: Invitae Variant Classification Sherloc (09022015). Collection method: clinical testing. Allele origin: germline.
Comment: This sequence change replaces isoleucine, which is neutral and non-polar, with valine, which is neutral and non-polar, at codon 2436 of the LAMA2 protein (p.Ile2436Val). This variant is not present in population databases (gnomAD no frequency). This variant has not been reported in the literature in individuals affected with LAMA2-related conditions. Advanced modeling of protein sequence and biophysical properties (such as structural, functional, and spatial information, amino acid conservation, physicochemical variation, residue mobility, and thermodynamic stability) performed at Invitae indicates that this missense variant is not expected to disrupt LAMA2 protein function. In summary, the available evidence is currently insufficient to determine the role of this variant in disease. Therefore, it has been classified as a Variant of Uncertain Significance.